The following is an entry in ClinVar:

ClinVar aggregate classification (germline): Uncertain significance (1 of 4 stars; one submission).

Conditions:
Neurofibromatosis, type 1 (NF1). Also called: VON RECKLINGHAUSEN DISEASE; Peripheral type neurofibromatosis; NEUROFIBROMATOSIS, TYPE I, SOMATIC; Neurofibromatosis, type I. Identifiers: Orphanet 636, MedGen C0027831, MONDO:0018975, OMIM 162200. Disease mechanism: loss of function.

Submission:

Labcorp Genetics (formerly Invitae), Labcorp
Classification: Uncertain significance for Neurofibromatosis, type 1. Last evaluated: 2024-07-24. Review status: criteria provided, single submitter. Criteria: Invitae Variant Classification Sherloc (09022015). Collection method: clinical testing. Allele origin: germline.
Comment: This sequence change replaces tryptophan, which is neutral and slightly polar, with leucine, which is neutral and non-polar, at codon 777 of the NF1 protein (p.Trp777Leu). This variant is not present in population databases (gnomAD no frequency). This variant has not been reported in the literature in individuals affected with NF1-related conditions. Advanced modeling of protein sequence and biophysical properties (such as structural, functional, and spatial information, amino acid conservation, physicochemical variation, residue mobility, and thermodynamic stability) performed at Invitae indicates that this missense variant is expected to disrupt NF1 protein function with a positive predictive value of 95%. This variant disrupts the p.Trp777 amino acid residue in NF1. Other variant(s) that disrupt this residue have been determined to be pathogenic (PMID: 16005615, 22034633, 27322474). This suggests that this residue is clinically significant, and that variants that disrupt this residue are likely to be disease-causing. In summary, the available evidence is currently insufficient to determine the role of this variant in disease. Therefore, it has been classified as a Variant of Uncertain Significance.

Literature cited by the submitters: PubMed 16005615; PubMed 22034633; PubMed 27322474.

NM_001042492.3(NF1):c.2330G>T (p.Trp777Leu)

Gene: NF1 (neurofibromin 1; plus strand). Cytogenetic location: 17q11.2.
Variant type: single nucleotide variant.
Coding change: c.2330G>T on transcript NM_001042492.3 (MANE Select); coding-DNA position 2330, G replaced by T.
Protein change: p.Trp777Leu; replaces tryptophan 777 with leucine.
Molecular consequence: missense variant.
Genome position (GRCh38, 1-based): chr17:31,227,527, G>T. VCF-style: chr17-31227527-G-T. GRCh37 (hg19) VCF-style: chr17-29554545-G-T.
Other names: c.2330G>T, p.Trp777Leu (NM_000267.4); short protein forms W777L.
Identifiers: ClinVar variation 3634511 (VCV003634511.2).
Genomic context (GRCh38, chr17:31,227,527, plus strand): 5'-ATTGATGTTTAGCTCTAGACTAAGTTGCTTTCAAGTGATAATTGCCTTCATTTTAGGCTT[G>T]GGAAGATACACATGCAAAATGGGAACAAGCAACAAAGCTAATCCTTAACTATCCAAAAGC-3'
Protein context (NP_001035957.1, residues 767-787): EHPTAGNTEA[Trp777Leu]EDTHAKWEQA